The following is an entry in ClinVar:

NM_032188.3(KAT8):c.140C>A (p.Ala47Glu)

Gene: KAT8 (lysine acetyltransferase 8; plus strand). Cytogenetic location: 16p11.2.
Variant type: single nucleotide variant.
Coding change: c.140C>A on transcript NM_032188.3 (MANE Select); coding-DNA position 140, C replaced by A.
Protein change: p.Ala47Glu; replaces alanine 47 with glutamic acid.
Molecular consequence: missense variant.
Genome position (GRCh38, 1-based): chr16:31,117,821, C>A. VCF-style: chr16-31117821-C-A. GRCh37 (hg19) VCF-style: chr16-31129142-C-A.
Other names: c.140C>A, p.Ala47Glu (NM_182958.4); short protein forms A47E.
Identifiers: ClinVar variation 3603271 (VCV003603271.1).

ClinVar aggregate classification (germline): Uncertain significance (1 of 4 stars; one submission).

Conditions:
Li-Ghorbani-Weisz-Hubshman syndrome. Identifiers: MedGen C5436525, MONDO:0033547, OMIM 618974.

gnomAD v4.1: 17 of 1,435,378 alleles (0.0012%); highest among the groups gnomAD compares: South Asian, 0.021%; no homozygotes.

Submission:

Neuberg Centre For Genomic Medicine, NCGM
Classification: Uncertain significance for Li-Ghorbani-Weisz-Hubshman syndrome. Last evaluated: 2023-06-22. Review status: criteria provided, single submitter. Criteria: ACMG Guidelines, 2015. Collection method: clinical testing. Allele origin: germline. Inheritance: Autosomal dominant inheritance. Affected: yes.
Comment: The observed missense c.140C>A (p.Ala47Glu) variant in KAT8 gene has not been reported previously as a pathogenic variant nor as a benign variant, to our knowledge. The p.Ala47Glu variant is present with allele frequency of 0.003% in gnomAD Exomes. This variant has not been submitted to the ClinVar database. Multiple lines of computational evidence (Polyphen - Benign, SIFT - Tolerated and Mutation Taster - Polymorphism) predict no damaging effect on protein structure and function for this variant. The reference amino acid at this position on KAT8 gene is predicted as conserved by GERP++ and PhyloP across 100 vertebrates. The amino acid Ala at position 47 is changed to a Glu changing protein sequence and it might alter its composition and physico-chemical properties. For these reasons, this variant has been classified as Variant of Uncertain Significance (VUS).